The following is an entry in ClinVar:

ClinVar aggregate classification (germline): Pathogenic/Likely pathogenic. Review status: criteria provided, multiple submitters, no conflicts (2 of 4 stars). 2 submissions from 2 submitters: Pathogenic (1); Likely pathogenic (1). Last evaluated 2023-09-30.

Conditions:
PCNT-related disorder. Also called: PCNT-related condition.

Submissions (2):

Labcorp Genetics (formerly Invitae), Labcorp
Classification: Pathogenic. Last evaluated: 2023-09-30. Review status: criteria provided, single submitter. Criteria: Invitae Variant Classification Sherloc (09022015). Collection method: clinical testing. Allele origin: germline.
Comment: For these reasons, this variant has been classified as Pathogenic. This premature translational stop signal has been observed in individual(s) with seckel syndrome (PMID: 19643772). This variant is present in population databases (rs749311817, gnomAD 0.003%). This sequence change creates a premature translational stop signal (p.Leu1091Valfs*102) in the PCNT gene. It is expected to result in an absent or disrupted protein product. Loss-of-function variants in PCNT are known to be pathogenic (PMID: 18174396, 22821869).

Blueprint Genetics
Classification: Likely pathogenic for PCNT-related disorders. Last evaluated: 2022-06-15. Review status: criteria provided, single submitter. Criteria: ACMG Guidelines, 2015. Collection method: clinical testing. Allele origin: germline. Affected: yes. Observed: 1 variant allele.

Literature cited by the submitters: PubMed 19643772 (cited by Labcorp Genetics (formerly Invitae), Labcorp); PubMed 18174396 (cited by Labcorp Genetics (formerly Invitae), Labcorp); PubMed 22821869 (cited by Labcorp Genetics (formerly Invitae), Labcorp).

NM_006031.6(PCNT):c.3271_3272del (p.Leu1091fs)

Gene: PCNT (pericentrin; plus strand). Cytogenetic location: 21q22.3.
Variant type: Deletion.
Coding change: c.3271_3272del on transcript NM_006031.6 (MANE Select); coding-DNA positions 3271 to 3272, 2 bases deleted (TT; older notation c.3271_3272delTT).
Protein change: p.Leu1091fs; shifts the reading frame from leucine 1091.
Molecular consequence: frameshift variant.
Genome position (GRCh38, 1-based): chr21:46,381,799-46,381,800, TT deleted; deleting any 2 consecutive bases within chr21:46,381,798-46,381,800 gives the same sequence; the c. name uses the placement nearest the transcript's 3' end. VCF-style (leftmost placement, unchanged base first): chr21-46381797-CTT-C. GRCh37 (hg19) VCF-style: chr21-47801712-CTT-C.
Other names: c.2917_2918del, p.Leu973fs (NM_001315529.2); short protein forms L973fs, L1091fs.
Identifiers: ClinVar variation 2737014 (VCV002737014.4), dbSNP rs749311817, ClinGen allele CA10079227.